The following is an entry in ClinVar:

NM_000350.3(ABCA4):c.1201A>T (p.Thr401Ser)

Gene: ABCA4 (ATP binding cassette subfamily A member 4; minus strand). Cytogenetic location: 1p22.1.
Variant type: single nucleotide variant.
Coding change: c.1201A>T on transcript NM_000350.3 (MANE Select); coding-DNA position 1201, A replaced by T.
Protein change: p.Thr401Ser; replaces threonine 401 with serine.
Molecular consequence: missense variant.
Genome position (GRCh38, 1-based): chr1:94,079,360, T>A on the plus strand (A>T on the coding strand, the complement: ABCA4 is on the minus strand). VCF-style: chr1-94079360-T-A. GRCh37 (hg19) VCF-style: chr1-94544916-T-A.
Other names: c.1201A>T (NM_000350.2); c.1201A>T, p.Thr401Ser (NM_001425324.1); short protein forms T401S.
Identifiers: ClinVar variation 1040741 (VCV001040741.13), dbSNP rs559674920, ClinGen allele CA958609.

ClinVar aggregate classification (germline): Conflicting classifications of pathogenicity. Review status: criteria provided, conflicting classifications (1 of 4 stars). 4 submissions from 4 submitters: Uncertain significance (2); Likely benign (1). 1 of the submissions does not count toward it. Last evaluated 2026-02-10.

Conditions:
Stargardt disease (FFM). Also called: Fundus flavimaculatus; Stargardt's disease. Identifiers: Orphanet 827, MedGen C0271093, MONDO:0019353.
ABCA4-related disorder. Also called: ABCA4-related disorders; ABCA4-related condition. Identifiers: MedGen CN239167.

Allele frequency attached by ClinVar (database versions not stated): gnomAD below 0.00001 and 0.00005; 1000 Genomes Project 30x 0.00062; 1000 Genomes Project 0.00080.
gnomAD v4.1: 107 of 1,613,822 alleles (0.0066%); highest among the groups gnomAD compares: South Asian, 0.11%; no homozygotes.

Submissions (4):

PreventionGenetics, part of Exact Sciences
Classification: Uncertain significance for ABCA4-related condition. Last evaluated: 2026-02-10. Review status: criteria provided, single submitter. Criteria: ACMG Guidelines, 2015. Collection method: clinical testing. Allele origin: germline.
Comment: The ABCA4 c.1201A>T variant is predicted to result in the amino acid substitution p.Thr401Ser. To our knowledge, this variant has not been reported in the literature. This variant is reported in 0.11% of alleles in individuals of South Asian descent in gnomAD. Another variant at the same nucleotide position, c.1201A>C, p.(Thr401Pro), has been reported in individuals with ABCA4-related conditions (Table S2, Cornelis et al. 2022. PubMed ID: 35120629; Supplemental Table 2, Fujinami et al. 2018. PubMed ID: 29925512; Nassisi et al. 2018. PubMed ID: 30060493); however, additional information is not provided in two of the studies on whether a second ABCA4 variant was identified. At this time, the clinical significance of this c.1201A>T, p.(Thr401Ser) variant is uncertain due to the absence of conclusive functional and genetic evidence.

Labcorp Genetics (formerly Invitae), Labcorp
Classification: Likely benign. Last evaluated: 2025-08-30. Review status: criteria provided, single submitter. Criteria: Invitae Variant Classification Sherloc (09022015). Collection method: clinical testing. Allele origin: germline.

Blueprint Genetics
Classification: Uncertain significance. Last evaluated: 2024-09-10. Review status: criteria provided, single submitter. Criteria: ACMG Guidelines, 2015. Collection method: clinical testing. Allele origin: germline.

Ophthalmo-Genetics Lab, Instituto de Oftalmologia Conde de Valenciana
Classification: Likely pathogenic for Stargardt disease. Last evaluated: 2022-12-20. Review status: no assertion criteria provided. Collection method: research. Allele origin: biparental. Inheritance: Autosomal recessive inheritance. Affected: yes. Observed: 1 heterozygote. Not counted in ClinVar's aggregate classification.
Comment: PM2,PM3, PP2,PP4 ACMG Criteria

Literature cited by the submitters: PubMed 35608843 (cited by Ophthalmo-Genetics Lab, Instituto de Oftalmologia Conde de Valenciana).